The following is an entry in ClinVar:

ClinVar aggregate classification (germline): Uncertain significance. Review status: criteria provided, multiple submitters, no conflicts (2 of 4 stars). 4 submissions from 4 submitters: Uncertain significance (4). Last evaluated 2026-03-26.

Conditions:
Gorlin syndrome. Also called: Basal cell nevus syndrome; Nevoid Basal Cell Carcinoma Syndrome. Identifiers: Orphanet 377, MedGen C0004779, MONDO:0007187.
Medulloblastoma (MDB). Also called: MEDULLOBLASTOMA PREDISPOSITION SYNDROME; Medulloblastoma, somatic. Identifiers: Orphanet 616, MedGen C0025149, MeSH D008527, MONDO:0007959, OMIM 155255, HP:0002885.
Hereditary cancer-predisposing syndrome. Also called: Tumor predisposition; Hereditary Cancer Syndrome; Neoplastic Syndromes, Hereditary; Hereditary neoplastic syndrome. Identifiers: Orphanet 140162, MedGen C0027672, MeSH D009386, MONDO:0015356.
Familial meningioma. Also called: Meningioma, familial, susceptibility to. Identifiers: Orphanet 263662, MedGen C3551915, MONDO:0011789, OMIM 607174.

Allele frequency attached by ClinVar (database versions not stated): TOPMed 0.00001; gnomAD below 0.00001 and 0.00001; ExAC 0.00001; gnomAD exomes 0.00001.
gnomAD v4.1: 22 of 1,613,842 alleles (0.0014%); highest among the groups gnomAD compares: Admixed American, 0.005%; no homozygotes.

Submissions (4):

Ambry Genetics
Classification: Uncertain significance for Hereditary cancer-predisposing syndrome. Last evaluated: 2026-03-26. Review status: criteria provided, single submitter. Criteria: Ambry Variant Classification Scheme 2023. Collection method: clinical testing. Allele origin: germline.
Comment: The p.R289W variant (also known as c.865C>T), located in coding exon 7 of the SUFU gene, results from a C to T substitution at nucleotide position 865. The arginine at codon 289 is replaced by tryptophan, an amino acid with dissimilar properties. This variant was detected as heterozygous in individual(s) with no reported features of SUFU-related disorders (Ambry internal data). This amino acid position is highly conserved in available vertebrate species. In addition, the in silico prediction for this alteration is inconclusive. Based on the available evidence, the clinical significance of this variant remains unclear.

Labcorp Genetics (formerly Invitae), Labcorp
Classification: Uncertain significance for Gorlin syndrome; Medulloblastoma. Last evaluated: 2025-12-03. Review status: criteria provided, single submitter. Criteria: Invitae Variant Classification Sherloc (09022015). Collection method: clinical testing. Allele origin: germline.
Comment: This sequence change replaces arginine, which is basic and polar, with tryptophan, which is neutral and slightly polar, at codon 289 of the SUFU protein (p.Arg289Trp). This variant is present in population databases (rs755961394, gnomAD 0.006%). This variant has not been reported in the literature in individuals affected with SUFU-related conditions. ClinVar contains an entry for this variant (Variation ID: 576373). Invitae Evidence Modeling of protein sequence and biophysical properties (such as structural, functional, and spatial information, amino acid conservation, physicochemical variation, residue mobility, and thermodynamic stability) indicates that this missense variant is not expected to disrupt SUFU protein function with a negative predictive value of 80%. In summary, the available evidence is currently insufficient to determine the role of this variant in disease. Therefore, it has been classified as a Variant of Uncertain Significance.

Quest Diagnostics Nichols Institute San Juan Capistrano
Classification: Uncertain significance. Last evaluated: 2025-02-06. Review status: criteria provided, single submitter. Criteria: Quest Diagnostics criteria. Collection method: clinical testing. Allele origin: unknown.
Comment: The SUFU c.865C>T (p.Arg289Trp) variant has not been reported in individuals with SUFU-related conditions in the published literature. The frequency of this variant in the general population (Genome Aggregation Database) is uninformative in the assessment of its pathogenicity. Analysis of this variant using bioinformatics tools for the prediction of the effect of amino acid changes on protein structure and function yielded predictions that this variant is damaging. Based on the available information, we are unable to determine the clinical significance of this variant.

Baylor Genetics
Classification: Uncertain significance for Familial meningioma. Last evaluated: 2024-03-21. Review status: criteria provided, single submitter. Criteria: ACMG Guidelines, 2015. Collection method: clinical testing. Allele origin: unknown.

NM_016169.4(SUFU):c.865C>T (p.Arg289Trp)

Gene: SUFU (SUFU negative regulator of hedgehog signaling; plus strand). Cytogenetic location: 10q24.32.
Variant type: single nucleotide variant.
Coding change: c.865C>T on transcript NM_016169.4 (MANE Select); coding-DNA position 865, C replaced by T.
Protein change: p.Arg289Trp; replaces arginine 289 with tryptophan.
Molecular consequence: missense variant.
Genome position (GRCh38, 1-based): chr10:102,597,248, C>T. VCF-style: chr10-102597248-C-T. GRCh37 (hg19) VCF-style: chr10-104357005-C-T.
Other names: c.865C>T, p.Arg289Trp (NM_001178133.2); short protein forms R289W.
Identifiers: ClinVar variation 576373 (VCV000576373.18), dbSNP rs755961394, ClinGen allele CA5667789.